The following is an entry in ClinVar:

NM_006846.4(SPINK5):c.2016-3C>T

Gene: SPINK5 (serine peptidase inhibitor Kazal type 5; plus strand). Cytogenetic location: 5q32.
Variant type: single nucleotide variant.
Coding change: c.2016-3C>T on transcript NM_006846.4 (MANE Select); 3 bases into the intron before coding-DNA position 2016, C replaced by T.
Molecular consequence: intron variant.
Genome position (GRCh38, 1-based): chr5:148,116,367, C>T. VCF-style: chr5-148116367-C-T. GRCh37 (hg19) VCF-style: chr5-147495930-C-T.
Other names: c.2016-3C>T (NM_001127698.2, NM_001127699.2).
Identifiers: ClinVar variation 1506144 (VCV001506144.6), dbSNP rs2113177395, ClinGen allele CA2573139239.
Genomic context (GRCh38, chr5:148,116,367, plus strand): 5'-CAAAGAAATGCACACCACTCTCTGTAATCTATTGTTCCCTACCTCCCACTTTCTAATTTC[C>T]AGCCAGAAAGAAAATGAGGAAAGAAAGAGGAAAGAAGAGGAAGATCAGAGAAATGCTGCA-3'

ClinVar aggregate classification (germline): Uncertain significance (1 of 4 stars; one submission).

Conditions:
Ichthyosis linearis circumflexa. Identifiers: MedGen C0265962, MONDO:0043106, HP:0025810.

Submission:

Labcorp Genetics (formerly Invitae), Labcorp
Classification: Uncertain significance for Ichthyosis linearis circumflexa. Last evaluated: 2021-05-16. Review status: criteria provided, single submitter. Criteria: Invitae Variant Classification Sherloc (09022015). Collection method: clinical testing. Allele origin: germline.
Comment: In summary, the available evidence is currently insufficient to determine the role of this variant in disease. Therefore, it has been classified as a Variant of Uncertain Significance. Nucleotide substitutions within the consensus splice site are a relatively common cause of aberrant splicing (PMID: 17576681, 9536098). Algorithms developed to predict the effect of sequence changes on RNA splicing suggest that this variant is not likely to affect RNA splicing, but this prediction has not been confirmed by published transcriptional studies. This variant has not been reported in the literature in individuals with SPINK5-related conditions. This variant is not present in population databases (ExAC no frequency). This sequence change falls in intron 21 of the SPINK5 gene. It does not directly change the encoded amino acid sequence of the SPINK5 protein. It affects a nucleotide within the consensus splice site of the intron.

Literature cited by the submitters: PubMed 17576681; PubMed 9536098.